The following is an entry in ClinVar:

ClinVar aggregate classification (germline): Likely pathogenic (1 of 4 stars; one submission).

Conditions:
Transient infantile hypertriglyceridemia and hepatosteatosis. Identifiers: Orphanet 300293, MedGen C3280953, MONDO:0013771, OMIM 614480.

gnomAD v4.1: 6 of 1,611,148 alleles (0.00037%); highest among the groups gnomAD compares: Admixed American, 0.0067%; no homozygotes.

Submission:

Variantyx, Inc.
Classification: Likely pathogenic for Transient infantile hypertriglyceridemia and hepatosteatosis. Last evaluated: 2025-03-18. Review status: criteria provided, single submitter. Criteria: Variantyx Assertion Criteria 2022. Collection method: clinical testing. Allele origin: germline. Affected: yes.
Comment: This is a canonical splicing variant in the GPD1 gene (OMIM: 138420). Pathogenic variants in this gene have been associated with autosomal recessive transient infantile hypertriglyceridemia. This splicing variant is expected to result in loss of function, which is a known disease mechanism for GPD1 in this disorder (PMID: 28944580) (PVS1). This variant has a 0.0067% maximum allele frequency in non-founder control populations (PM2_Supporting). This variant has not been reported in individuals with GPD1-related disorders in the databases available for review. Based on the current evidence, this variant is classified as likely pathogenic for autosomal recessive transient infantile hypertriglyceridemia.

NM_005276.4(GPD1):c.220-1G>A

Gene: GPD1 (glycerol-3-phosphate dehydrogenase 1; plus strand). Cytogenetic location: 12q13.12.
Variant type: single nucleotide variant.
Coding change: c.220-1G>A on transcript NM_005276.4 (MANE Select); the canonical splice acceptor site of the intron before coding-DNA position 220, G replaced by A.
Molecular consequence: splice acceptor variant. On other transcripts: intron variant (1).
Genome position (GRCh38, 1-based): chr12:50,105,547, G>A. VCF-style: chr12-50105547-G-A. GRCh37 (hg19) VCF-style: chr12-50499330-G-A.
Other names: c.220-70G>A (NM_001257199.2).
Identifiers: ClinVar variation 4759257 (VCV004759257.1).